The following is an entry in ClinVar:

NM_001322934.2(NFKB2):c.1759C>T (p.Pro587Ser)

Gene: NFKB2 (nuclear factor kappa B subunit 2; plus strand). Cytogenetic location: 10q24.32.
Variant type: single nucleotide variant.
Coding change: c.1759C>T on transcript NM_001322934.2 (MANE Select); coding-DNA position 1759, C replaced by T.
Protein change: p.Pro587Ser; replaces proline 587 with serine.
Molecular consequence: missense variant.
Genome position (GRCh38, 1-based): chr10:102,400,452, C>T. VCF-style: chr10-102400452-C-T. GRCh37 (hg19) VCF-style: chr10-104160209-C-T.
Other names: c.1759C>T, p.Pro587Ser (NM_001077493.1, NM_001077494.3, NM_001261403.3 and 2 more transcripts); c.1633C>T, p.Pro545Ser (NM_001322935.1); short protein forms P545S, P587S.
Identifiers: ClinVar variation 2957035 (VCV002957035.3), dbSNP rs2544596315, ClinGen allele CA377902205.

ClinVar aggregate classification (germline): Uncertain significance (1 of 4 stars; one submission).

Conditions:
Immunodeficiency, common variable, 10. Also called: IMMUNODEFICIENCY, COMMON VARIABLE, WITH CENTRAL ADRENAL INSUFFICIENCY; DEFICIT IN ANTERIOR PITUITARY FUNCTION AND VARIABLE IMMUNODEFICIENCY. Identifiers: MedGen C3809991, MONDO:0014260, OMIM 615577.

Submission:

Labcorp Genetics (formerly Invitae), Labcorp
Classification: Uncertain significance for Immunodeficiency, common variable, 10. Last evaluated: 2022-12-07. Review status: criteria provided, single submitter. Criteria: Invitae Variant Classification Sherloc (09022015). Collection method: clinical testing. Allele origin: germline.
Comment: This variant is not present in population databases (gnomAD no frequency). This sequence change replaces proline, which is neutral and non-polar, with serine, which is neutral and polar, at codon 587 of the NFKB2 protein (p.Pro587Ser). In summary, the available evidence is currently insufficient to determine the role of this variant in disease. Therefore, it has been classified as a Variant of Uncertain Significance. Algorithms developed to predict the effect of missense changes on protein structure and function (SIFT, PolyPhen-2, Align-GVGD) all suggest that this variant is likely to be tolerated. This variant has not been reported in the literature in individuals affected with NFKB2-related conditions.